The following is an entry in ClinVar:

NM_004523.4(KIF11):c.1147G>C (p.Glu383Gln)

Gene: KIF11 (kinesin family member 11; plus strand). Cytogenetic location: 10q23.33.
Variant type: single nucleotide variant.
Coding change: c.1147G>C on transcript NM_004523.4 (MANE Select); coding-DNA position 1147, G replaced by C.
Protein change: p.Glu383Gln; replaces glutamic acid 383 with glutamine.
Molecular consequence: missense variant.
Genome position (GRCh38, 1-based): chr10:92,621,403, G>C. VCF-style: chr10-92621403-G-C. GRCh37 (hg19) VCF-style: chr10-94381160-G-C.
Other names: short protein forms E383Q.
Identifiers: ClinVar variation 1494791 (VCV001494791.6), dbSNP rs952427009, ClinGen allele CA211505678.

ClinVar aggregate classification (germline): Uncertain significance (1 of 4 stars; one submission).

Submission:

Labcorp Genetics (formerly Invitae), Labcorp
Classification: Uncertain significance. Last evaluated: 2021-07-30. Review status: criteria provided, single submitter. Criteria: Invitae Variant Classification Sherloc (09022015). Collection method: clinical testing. Allele origin: germline.
Comment: In summary, the available evidence is currently insufficient to determine the role of this variant in disease. Therefore, it has been classified as a Variant of Uncertain Significance. Algorithms developed to predict the effect of missense changes on protein structure and function are either unavailable or do not agree on the potential impact of this missense change (SIFT: "Tolerated"; PolyPhen-2: "Probably Damaging"; Align-GVGD: "Class C0"). This variant has not been reported in the literature in individuals affected with KIF11-related conditions. This variant is not present in population databases (ExAC no frequency). This sequence change replaces glutamic acid with glutamine at codon 383 of the KIF11 protein (p.Glu383Gln). The glutamic acid residue is highly conserved and there is a small physicochemical difference between glutamic acid and glutamine.